The following is an entry in ClinVar:

ClinVar aggregate classification (germline): Pathogenic. Review status: criteria provided, single submitter (1 of 4 stars). 2 submissions from 2 submitters: Pathogenic (1). 1 of the submissions does not count toward it. Last evaluated 2022-05-30.

Conditions:
Melnick-Fraser syndrome (BOR). Also called: Branchio-oto-renal syndrome; Branchiootorenal syndrome; Branchiootorenal Syndrome (BORS). Identifiers: Orphanet 107, MedGen C0265234, MONDO:0007029.
Branchiootorenal syndrome 1. Also called: Branchio-Oto-Renal Syndrome 1. Identifiers: Orphanet 107, MedGen C4551702, MONDO:0007236, OMIM 113650.

Submissions (2):

Labcorp Genetics (formerly Invitae), Labcorp
Classification: Pathogenic for Melnick-Fraser syndrome. Last evaluated: 2022-05-30. Review status: criteria provided, single submitter. Criteria: Invitae Variant Classification Sherloc (09022015). Collection method: clinical testing. Allele origin: germline.
Comment: ClinVar contains an entry for this variant (Variation ID: 812585). For these reasons, this variant has been classified as Pathogenic. This variant disrupts a region of the EYA1 protein in which other variant(s) (p.Gln562*) have been determined to be pathogenic (Invitae). This suggests that this is a clinically significant region of the protein, and that variants that disrupt it are likely to be disease-causing. This variant has not been reported in the literature in individuals affected with EYA1-related conditions. This variant is not present in population databases (gnomAD no frequency). This sequence change creates a premature translational stop signal (p.Ser487*) in the EYA1 gene. While this is not anticipated to result in nonsense mediated decay, it is expected to disrupt the last 106 amino acid(s) of the EYA1 protein.

Institute of Human Genetics, Cologne University
Classification: Likely pathogenic for Branchiootorenal syndrome 1. Review status: no assertion criteria provided. Collection method: clinical testing. Allele origin: germline. Affected: yes. Observed: 1 heterozygote. Not counted in ClinVar's aggregate classification.

NM_000503.6(EYA1):c.1460C>A (p.Ser487Ter)

Gene: EYA1 (EYA transcriptional coactivator and phosphatase 1; minus strand). Cytogenetic location: 8q13.3.
Variant type: single nucleotide variant.
Coding change: c.1460C>A on transcript NM_000503.6 (MANE Select); coding-DNA position 1460, C replaced by A.
Protein change: p.Ser487Ter; replaces serine 487 with a stop codon.
Molecular consequence: nonsense.
Genome position (GRCh38, 1-based): chr8:71,215,629, G>T on the plus strand (C>A on the coding strand, the complement: EYA1 is on the minus strand). VCF-style: chr8-71215629-G-T. GRCh37 (hg19) VCF-style: chr8-72127864-G-T.
Other names: c.1442C>A, p.Ser481Ter (NM_001288574.2, NM_172059.5); c.1094C>A, p.Ser365Ter (NM_001288575.2); c.1547C>A, p.Ser516Ter (NM_001370333.1); c.1460C>A, p.Ser487Ter (NM_001370334.1, NM_001370335.1, NM_172058.4); c.1439C>A, p.Ser480Ter (NM_001370336.1); short protein forms S365*, S480*, S481*, S487*, S516*.
Identifiers: ClinVar variation 812585 (VCV000812585.5), dbSNP rs139717960, ClinGen allele CA371466347.